The following is an entry in ClinVar:

NM_006206.6(PDGFRA):c.1476A>C (p.Lys492Asn)

Gene: PDGFRA (platelet derived growth factor receptor alpha; plus strand). Cytogenetic location: 4q12.
Variant type: single nucleotide variant.
Coding change: c.1476A>C on transcript NM_006206.6 (MANE Select); coding-DNA position 1476, A replaced by C.
Protein change: p.Lys492Asn; replaces lysine 492 with asparagine.
Molecular consequence: missense variant.
Genome position (GRCh38, 1-based): chr4:54,273,648, A>C. VCF-style: chr4-54273648-A-C. GRCh37 (hg19) VCF-style: chr4-55139815-A-C.
Other names: c.1476A>C, p.Lys492Asn (NM_001347827.2, NM_001347829.2); c.1551A>C, p.Lys517Asn (NM_001347828.2); c.1515A>C, p.Lys505Asn (NM_001347830.2); short protein forms K492N, K517N, K505N.
Identifiers: ClinVar variation 3305485 (VCV003305485.3).

ClinVar aggregate classification (germline): Uncertain significance. Review status: criteria provided, multiple submitters, no conflicts (2 of 4 stars). 2 submissions from 2 submitters: Uncertain significance (2). Last evaluated 2024-05-22.

Conditions:
Hereditary cancer-predisposing syndrome. Also called: Neoplastic Syndromes, Hereditary; Tumor predisposition; Hereditary Cancer Syndrome; Hereditary neoplastic syndrome. Identifiers: Orphanet 140162, MedGen C0027672, MeSH D009386, MONDO:0015356.
Gastrointestinal stromal tumor. Also called: Gastrointestinal stromal tumor, somatic; Gastrointestinal stroma tumor. Identifiers: Orphanet 44890, MedGen C0238198, MeSH D046152, MONDO:0011719, OMIM 606764, HP:0100723.

Submissions (2):

Ambry Genetics
Classification: Uncertain significance for Hereditary cancer-predisposing syndrome. Last evaluated: 2024-05-22. Review status: criteria provided, single submitter. Criteria: Ambry Variant Classification Scheme 2023. Collection method: clinical testing. Allele origin: germline.
Comment: The p.K492N variant (also known as c.1476A>C), located in coding exon 9 of the PDGFRA gene, results from an A to C substitution at nucleotide position 1476. The lysine at codon 492 is replaced by asparagine, an amino acid with similar properties. This amino acid position is conserved. In addition, this alteration is predicted to be tolerated by in silico analysis. Based on the available evidence, the clinical significance of this variant remains unclear.

Labcorp Genetics (formerly Invitae), Labcorp
Classification: Uncertain significance for Gastrointestinal stromal tumor. Last evaluated: 2024-03-01. Review status: criteria provided, single submitter. Criteria: Invitae Variant Classification Sherloc (09022015). Collection method: clinical testing. Allele origin: germline.
Comment: This sequence change replaces lysine, which is basic and polar, with asparagine, which is neutral and polar, at codon 492 of the PDGFRA protein (p.Lys492Asn). This variant is not present in population databases (gnomAD no frequency). This variant has not been reported in the literature in individuals affected with PDGFRA-related conditions. Advanced modeling of protein sequence and biophysical properties (such as structural, functional, and spatial information, amino acid conservation, physicochemical variation, residue mobility, and thermodynamic stability) performed at Invitae indicates that this missense variant is not expected to disrupt PDGFRA protein function with a negative predictive value of 80%. In summary, the available evidence is currently insufficient to determine the role of this variant in disease. Therefore, it has been classified as a Variant of Uncertain Significance.